The following is an entry in ClinVar:

ClinVar aggregate classification (germline): Uncertain significance (1 of 4 stars; one submission).

Conditions:
Dyskeratosis congenita. Identifiers: Orphanet 1775, MedGen C0265965, MONDO:0015780.

Submission:

Ambry Genetics
Classification: Uncertain significance for Dyskeratosis congenita. Last evaluated: 2023-04-27. Review status: criteria provided, single submitter. Criteria: Ambry Variant Classification Scheme 2023. Collection method: clinical testing. Allele origin: germline.
Comment: The p.V56E variant (also known as c.167T>A), located in coding exon 1 of the TERT gene, results from a T to A substitution at nucleotide position 167. The valine at codon 56 is replaced by glutamic acid, an amino acid with dissimilar properties. This amino acid position is conserved. In addition, this alteration is predicted to be deleterious by in silico analysis. Since supporting evidence is limited at this time, the clinical significance of this alteration remains unclear.

NM_198253.3(TERT):c.167T>A (p.Val56Glu)

Genes: TERT (telomerase reverse transcriptase; minus strand), LOC110806263 (TERT 5' regulatory region; plus strand). Cytogenetic location: 5p15.33.
Variant type: single nucleotide variant.
Coding change: c.167T>A on transcript NM_198253.3 (MANE Select); coding-DNA position 167, T replaced by A.
Protein change: p.Val56Glu; replaces valine 56 with glutamic acid.
Molecular consequence: missense variant. On other transcripts: non-coding transcript variant (2).
Genome position (GRCh38, 1-based): chr5:1,294,823, A>T on the plus strand (T>A on the coding strand, the complement: TERT is on the minus strand). VCF-style: chr5-1294823-A-T. GRCh37 (hg19) VCF-style: chr5-1294938-A-T.
Other names: c.167T>A, p.Val56Glu (NM_001193376.3, NM_003219.1); short protein forms V56E.
Identifiers: ClinVar variation 3238523 (VCV003238523.1), dbSNP rs2478433159.